The following is an entry in ClinVar:

ClinVar aggregate classification (germline): Uncertain significance (1 of 4 stars; one submission).

Submission:

Women's Health and Genetics/Laboratory Corporation of America, LabCorp
Classification: Uncertain significance. Last evaluated: 2025-05-06. Review status: criteria provided, single submitter. Criteria: LabCorp Variant Classification Summary - May 2015. Collection method: clinical testing. Allele origin: germline.
Comment: Variant summary: VWA1 c.596A>C (p.His199Pro) results in a non-conservative amino acid change in the encoded protein sequence. Algorithms developed to predict the effect of missense changes on protein structure and function are either unavailable or do not agree on the potential impact of this missense change. The variant was absent in 249256 control chromosomes. The available data on variant occurrences in the general population are insufficient to allow any conclusion about variant significance. To our knowledge, no occurrence of c.596A>C in individuals affected with Neuronopathy, distal hereditary motor, autosomal recessive 7 and no experimental evidence demonstrating its impact on protein function have been reported. No submitters have cited clinical-significance assessments for this variant to ClinVar. Based on the evidence outlined above, the variant was classified as uncertain significance.

NM_022834.5(VWA1):c.596A>C (p.His199Pro)

Gene: VWA1 (von Willebrand factor A domain containing 1; plus strand). Cytogenetic location: 1p36.33.
Variant type: single nucleotide variant.
Coding change: c.596A>C on transcript NM_022834.5 (MANE Select); coding-DNA position 596, A replaced by C.
Protein change: p.His199Pro; replaces histidine 199 with proline.
Molecular consequence: missense variant. On other transcripts: 3 prime UTR variant (1).
Genome position (GRCh38, 1-based): chr1:1,437,449, A>C. VCF-style: chr1-1437449-A-C. GRCh37 (hg19) VCF-style: chr1-1372829-A-C.
Other names: c.*6A>C (NM_199121.3); short protein forms H199P.
Identifiers: ClinVar variation 3902460 (VCV003902460.1).
Genomic context (GRCh38, chr1:1,437,449, plus strand): 5'-CAGCCGCTGCCTCAGCCCCTGCCGAGAAGCACCTGCACTTTGTGGACGTGGATGACCTGC[A>C]CATCATTGTCCAAGAGCTGAGGGGCTCCATTCTCGGTATGCGGGAGGAGGCAGGGCCCAG-3'
Protein context (NP_073745.2, residues 189-209): HLHFVDVDDL[His199Pro]IIVQELRGSI